The following is an entry in ClinVar:

ClinVar aggregate classification (germline): Conflicting classifications of pathogenicity. Review status: criteria provided, conflicting classifications (1 of 4 stars). 3 submissions from 3 submitters: Uncertain significance (2); Likely benign (1). Last evaluated 2026-05-15.

Conditions:
Hereditary cancer-predisposing syndrome. Also called: Tumor predisposition; Hereditary neoplastic syndrome; Neoplastic Syndromes, Hereditary; Hereditary Cancer Syndrome. Identifiers: Orphanet 140162, MedGen C0027672, MeSH D009386, MONDO:0015356.
Von Hippel-Lindau syndrome (VHLS). Also called: VHL syndrome; von Hippel–Lindau syndrome; Von Hippel-Lindau. Identifiers: Orphanet 892, MedGen C0019562, MONDO:0008667, OMIM 193300. Disease mechanism: loss of function.
Chuvash polycythemia. Also called: POLYCYTHEMIA, VHL-DEPENDENT. Identifiers: Orphanet 238557, MedGen C1837915, MONDO:0009892, OMIM 263400.

Submissions (3):

Ambry Genetics
Classification: Likely benign for Hereditary cancer-predisposing syndrome. Last evaluated: 2026-05-15. Review status: criteria provided, single submitter. Criteria: Ambry Variant Classification Scheme 2023. Collection method: clinical testing. Allele origin: germline.

Color Diagnostics, LLC DBA Color Health
Classification: Uncertain significance for Von Hippel-Lindau syndrome. Last evaluated: 2025-07-23. Review status: criteria provided, single submitter. Criteria: ACMG Guidelines, 2015. Collection method: clinical testing. Allele origin: germline.
Comment: This missense variant replaces proline with arginine at codon 99 of the VHL protein. Computational prediction suggests that this variant may not impact protein structure and function. A functional study reported an neutral impact of this variant in a haploid cell fitness assay (PMID: 38969834). To our knowledge, this variant has not been reported in individuals affected with VHL-related disorders in the literature. This variant has not been identified in the general population by the Genome Aggregation Database (gnomAD). The available evidence is insufficient to determine the role of this variant in disease conclusively. Therefore, this variant is classified as a Variant of Uncertain Significance.

Labcorp Genetics (formerly Invitae), Labcorp
Classification: Uncertain significance for Von Hippel-Lindau syndrome; Chuvash polycythemia. Last evaluated: 2021-01-25. Review status: criteria provided, single submitter. Criteria: Invitae Variant Classification Sherloc (09022015). Collection method: clinical testing. Allele origin: germline.
Comment: In summary, the available evidence is currently insufficient to determine the role of this variant in disease. Therefore, it has been classified as a Variant of Uncertain Significance. Algorithms developed to predict the effect of missense changes on protein structure and function (SIFT, PolyPhen-2, Align-GVGD) all suggest that this variant is likely to be tolerated, but these predictions have not been confirmed by published functional studies and their clinical significance is uncertain. This sequence change replaces proline with arginine at codon 99 of the VHL protein (p.Pro99Arg). The proline residue is moderately conserved and there is a moderate physicochemical difference between proline and arginine. This variant is not present in population databases (ExAC no frequency). This variant has not been reported in the literature in individuals with VHL-related disease.

Literature cited by the submitters: PubMed 38969834 (cited by Ambry Genetics and Color Diagnostics, LLC DBA Color Health).

NM_000551.4(VHL):c.296C>G (p.Pro99Arg)

Gene: VHL (von Hippel-Lindau tumor suppressor; plus strand). Cytogenetic location: 3p25.3.
Variant type: single nucleotide variant.
Coding change: c.296C>G on transcript NM_000551.4 (MANE Select); coding-DNA position 296, C replaced by G.
Protein change: p.Pro99Arg; replaces proline 99 with arginine.
Molecular consequence: missense variant.
Genome position (GRCh38, 1-based): chr3:10,142,143, C>G. VCF-style: chr3-10142143-C-G. GRCh37 (hg19) VCF-style: chr3-10183827-C-G.
Other names: c.296C>G, p.Pro99Arg (NM_001354723.2, NM_198156.3); short protein forms P99R.
Identifiers: ClinVar variation 526687 (VCV000526687.12), dbSNP rs1553619452, ClinGen allele CA351750938.
Genomic context (GRCh38, chr3:10,142,143, plus strand): 5'-GCAGTCCGCGCGTCGTGCTGCCCGTATGGCTCAACTTCGACGGCGAGCCGCAGCCCTACC[C>G]AACGCTGCCGCCTGGCACGGGCCGCCGCATCCACAGCTACCGAGGTACGGGCCCGGCGCT-3'
Protein context (NP_000542.1, residues 89-109): LNFDGEPQPY[Pro99Arg]TLPPGTGRRI